The following is an entry in ClinVar:

NM_001356.5(DDX3X):c.1439_1441del (p.Arg480_Glu481delinsLys)

Gene: DDX3X (DEAD-box helicase 3 X-linked; plus strand). Cytogenetic location: Xp11.4.
Variant type: Deletion.
Coding change: c.1439_1441del on transcript NM_001356.5 (MANE Select); coding-DNA positions 1439 to 1441, 3 bases deleted (GAG; older notation c.1439_1441delGAG).
Protein change: p.Arg480_Glu481delinsLys.
Molecular consequence: inframe indel. On other transcripts: non-coding transcript variant (1).
Genome position (GRCh38, 1-based): chrX:41,346,352-41,346,354, GAG deleted. VCF-style (leftmost placement, unchanged base first): chrX-41346351-AGAG-A. GRCh37 (hg19) VCF-style: chrX-41205604-AGAG-A.
Other names: c.1439_1441del, p.Arg480_Glu481delinsLys (NM_001193416.3); c.1391_1393del, p.Arg464_Glu465delinsLys (NM_001193417.3); c.881_883del, p.Arg294_Glu295delinsLys (NM_001363819.1).
Identifiers: ClinVar variation 1937000 (VCV001937000.5), dbSNP rs2519523283, ClinGen allele CA2580101001.

ClinVar aggregate classification (germline): Pathogenic (1 of 4 stars; one submission).

Submission:

Labcorp Genetics (formerly Invitae), Labcorp
Classification: Pathogenic. Last evaluated: 2024-04-23. Review status: criteria provided, single submitter. Criteria: Invitae Variant Classification Sherloc (09022015). Collection method: clinical testing. Allele origin: germline.
Comment: This variant, c.1439_1441del, is a complex sequence change that results in the deletion of 2 and insertion of 1 amino acid(s) in the DDX3X protein (p.Arg480_Glu481delinsLys). This variant is not present in population databases (gnomAD no frequency). This variant has not been reported in the literature in individuals affected with DDX3X-related conditions. ClinVar contains an entry for this variant (Variation ID: 1937000). This variant disrupts a region of the DDX3X protein in which other variant(s) (p.Arg480Ser, p.Arg480Gly) have been determined to be pathogenic (PMID: 26235985, 30349862). This suggests that this is a clinically significant region of the protein, and that variants that disrupt it are likely to be disease-causing. For these reasons, this variant has been classified as Pathogenic.

Literature cited by the submitters: PubMed 26235985; PubMed 30349862.